The following is an entry in ClinVar:

ClinVar aggregate classification (germline): Pathogenic (1 of 4 stars; one submission).

Conditions:
Familial thoracic aortic aneurysm and aortic dissection (TAAD). Also called: Thoracic aortic aneurysms and dissections. Identifiers: Orphanet 91387, MedGen C4707243, MONDO:0019625.
Marfan syndrome (MFS). Also called: FBN1-Related Marfan Syndrome; Marfan syndrome type 1; Marfan's syndrome; Marfan syndrome, classic; MARFAN SYNDROME, TYPE I. Identifiers: Orphanet 284963, Orphanet 558, MedGen C0024796, MONDO:0007947, OMIM 154700.

Submission:

Labcorp Genetics (formerly Invitae), Labcorp
Classification: Pathogenic for Marfan syndrome; Familial thoracic aortic aneurysm and aortic dissection. Last evaluated: 2018-10-25. Review status: criteria provided, single submitter. Criteria: Invitae Variant Classification Sherloc (09022015). Collection method: clinical testing. Allele origin: germline.
Comment: For these reasons, this variant has been classified as Pathogenic. This sequence change creates a premature translational stop signal (p.Val2234Trpfs*57) in the FBN1 gene. It is expected to result in an absent or disrupted protein product. This variant is not present in population databases (ExAC no frequency). This variant has not been reported in the literature in individuals with FBN1-related disease. Loss-of-function variants in FBN1 are known to be pathogenic (PMID: 17657824, 19293843).

Literature cited by the submitters: PubMed 17657824; PubMed 19293843.

NM_000138.5(FBN1):c.6699del (p.Val2234fs)

Gene: FBN1 (fibrillin 1; minus strand). Cytogenetic location: 15q21.1.
Variant type: Deletion.
Coding change: c.6699del on transcript NM_000138.5 (MANE Select); coding-DNA position 6699, one base deleted (C; older notation c.6699delC).
Protein change: p.Val2234fs; shifts the reading frame from valine 2234.
Molecular consequence: frameshift variant.
Genome position (GRCh38, 1-based): chr15:48,432,906, G deleted on the plus strand (C on the coding strand, the reverse complement: FBN1 is on the minus strand); the first of 3 consecutive G bases (chr15:48,432,906-48,432,908); deleting any one gives the same sequence. VCF-style (leftmost placement, unchanged base first): chr15-48432905-CG-C. GRCh37 (hg19) VCF-style: chr15-48725102-CG-C.
Other names: c.6699delC (NM_000138.4); short protein forms V2234fs.
Identifiers: ClinVar variation 647136 (VCV000647136.6), dbSNP rs1597522415, ClinGen allele CA915946643.